The following is an entry in ClinVar:

NM_201631.4(TGM5):c.1689G>A (p.Ala563=)

Gene: TGM5 (transglutaminase 5; minus strand). Cytogenetic location: 15q15.2.
Variant type: single nucleotide variant.
Coding change: c.1689G>A on transcript NM_201631.4 (MANE Select); coding-DNA position 1689, G replaced by A.
Protein change: p.Ala563=; no amino-acid change (alanine 563 retained).
Molecular consequence: synonymous variant.
Genome position (GRCh38, 1-based): chr15:43,235,494, C>T on the plus strand (G>A on the coding strand, the complement: TGM5 is on the minus strand). VCF-style: chr15-43235494-C-T. GRCh37 (hg19) VCF-style: chr15-43527692-C-T.
Other names: c.1443G>A, p.Ala481= (NM_004245.4).
Identifiers: ClinVar variation 316040 (VCV000316040.48), dbSNP rs141734428, ClinGen allele CA7520923.

ClinVar aggregate classification (germline): Conflicting classifications of pathogenicity. Review status: criteria provided, conflicting classifications (1 of 4 stars). 4 submissions from 4 submitters: Uncertain significance (1); Likely benign (2). 1 of the submissions does not count toward it. Last evaluated 2025-08-01.

Conditions:
TGM5-related disorder. Also called: TGM5-related condition.
Acral peeling skin syndrome. Also called: Peeling skin syndrome 2. Identifiers: Orphanet 263534, MedGen C1853354, MONDO:0012345, OMIM 609796.

Allele frequency attached by ClinVar (database versions not stated): 1000 Genomes Project 30x 0.00031; 1000 Genomes Project 0.00040; ESP Exome Variant Server 0.00046; TOPMed 0.00051; gnomAD exomes 0.00052 and 0.00068; gnomAD 0.00062 and 0.00066; ExAC 0.00075.
gnomAD v4.1: 849 of 1,614,082 alleles (0.053%); highest among the groups gnomAD compares: Non-Finnish European, 0.058%; 4 homozygotes.

Submissions (4):

CeGaT Center for Human Genetics Tuebingen
Classification: Likely benign. Last evaluated: 2025-08-01. Review status: criteria provided, single submitter. Criteria: CeGaT Center For Human Genetics Tuebingen Variant Classification Criteria Version 2. Collection method: clinical testing. Allele origin: germline. Affected: yes. Observed: 5 variant alleles.
Comment: TGM5: BP4, BP7

Blueprint Genetics
Classification: Likely benign. Last evaluated: 2024-11-21. Review status: criteria provided, single submitter. Criteria: ACMG Guidelines, 2015. Collection method: clinical testing. Allele origin: germline.

Illumina Laboratory Services, Illumina
Classification: Uncertain significance for Acral peeling skin syndrome. Last evaluated: 2018-01-13. Review status: criteria provided, single submitter. Criteria: ICSL Variant Classification Criteria 13 December 2019. Collection method: clinical testing. Allele origin: germline.

PreventionGenetics, part of Exact Sciences
Classification: Likely benign for TGM5-related condition. Last evaluated: 2019-10-31. Review status: no assertion criteria provided. Collection method: clinical testing. Allele origin: germline. Not counted in ClinVar's aggregate classification.
Comment: This variant is classified as likely benign based on ACMG/AMP sequence variant interpretation guidelines (Richards et al. 2015 PMID: 25741868, with internal and published modifications).